The following is an entry in ClinVar:

ClinVar aggregate classification (germline): Pathogenic (1 of 4 stars; one submission).

Conditions:
Hereditary cancer-predisposing syndrome. Also called: Tumor predisposition; Hereditary Cancer Syndrome; Neoplastic Syndromes, Hereditary; Hereditary neoplastic syndrome. Identifiers: Orphanet 140162, MedGen C0027672, MeSH D009386, MONDO:0015356.

Submission:

Ambry Genetics
Classification: Pathogenic for Hereditary cancer-predisposing syndrome. Last evaluated: 2018-10-26. Review status: criteria provided, single submitter. Criteria: Ambry Variant Classification Scheme 2023. Collection method: clinical testing. Allele origin: germline.
Comment: The c.100delC pathogenic mutation, located in coding exon 2 of the PALB2 gene, results from a deletion of one nucleotide at nucleotide position 100, causing a translational frameshift with a predicted alternate stop codon (p.R34Afs*19). This alteration is expected to result in loss of function by premature protein truncation or nonsense-mediated mRNA decay. As such, this alteration is interpreted as a disease-causing mutation.

NM_024675.4(PALB2):c.100del (p.Arg34fs)

Gene: PALB2 (partner and localizer of BRCA2; minus strand). Cytogenetic location: 16p12.2.
Variant type: Deletion.
Coding change: c.100del on transcript NM_024675.4 (MANE Select); coding-DNA position 100, one base deleted (C; older notation c.100delC).
Protein change: p.Arg34fs; shifts the reading frame from arginine 34.
Molecular consequence: frameshift variant.
Genome position (GRCh38, 1-based): chr16:23,638,078, G deleted on the plus strand (C on the coding strand, the reverse complement: PALB2 is on the minus strand); the first of 3 consecutive G bases (chr16:23,638,078-23,638,080); deleting any one gives the same sequence. VCF-style (leftmost placement, unchanged base first): chr16-23638077-CG-C. GRCh37 (hg19) VCF-style: chr16-23649398-CG-C.
Other names: short protein forms R34fs.
Identifiers: ClinVar variation 822000 (VCV000822000.4), dbSNP rs1597101822, ClinGen allele CA915949144.